The following is an entry in ClinVar:

NM_001190737.2(NFIB):c.926A>T (p.Asp309Val)

Gene: NFIB (nuclear factor I B; minus strand). Cytogenetic location: 9p23.
Variant type: single nucleotide variant.
Coding change: c.926A>T on transcript NM_001190737.2 (MANE Select); coding-DNA position 926, A replaced by T.
Protein change: p.Asp309Val; replaces aspartic acid 309 with valine.
Molecular consequence: missense variant. On other transcripts: non-coding transcript variant (4).
Genome position (GRCh38, 1-based): chr9:14,125,766, T>A on the plus strand (A>T on the coding strand, the complement: NFIB is on the minus strand). VCF-style: chr9-14125766-T-A. GRCh37 (hg19) VCF-style: chr9-14125765-T-A.
Other names: c.689A>T, p.Asp230Val (NM_001369470.1, NM_001369478.1); c.926A>T, p.Asp309Val (NM_001369471.1, NM_001369461.1, NM_001369464.1 and 1 more transcripts); c.914A>T, p.Asp305Val (NM_001369472.1, NM_001369473.1, NM_001369460.1 and 2 more transcripts); c.911A>T, p.Asp304Val (NM_001369474.1); c.701A>T, p.Asp234Val (NM_001369475.1); c.899A>T, p.Asp300Val (NM_001369476.1, NM_001369465.1, NM_001369467.1); c.872A>T, p.Asp291Val (NM_001369477.1); c.389A>T, p.Asp130Val (NM_001369479.1, NM_001369480.1); and 5 more; short protein forms D130V, D230V, D234V, D261V, D291V, D300V, D304V, D305V.
Identifiers: ClinVar variation 3025821 (VCV003025821.23), dbSNP rs992922055, ClinGen allele CA373092475.

ClinVar aggregate classification (germline): Uncertain significance. Review status: criteria provided, multiple submitters, no conflicts (2 of 4 stars). 2 submissions from 2 submitters: Uncertain significance (2). Last evaluated 2024-11-11.

Conditions:
Inborn genetic diseases. Identifiers: MedGen C0950123, MeSH D030342.

Allele frequency attached by ClinVar (database versions not stated): gnomAD 0.00003; TOPMed 0.00003.
gnomAD v4.1: 16 of 1,613,666 alleles (0.00099%); highest among the groups gnomAD compares: African/African-American, 0.0013%; no homozygotes.

Submissions (2):

Ambry Genetics
Classification: Uncertain significance for Inborn genetic diseases. Last evaluated: 2024-11-11. Review status: criteria provided, single submitter. Criteria: Ambry Variant Classification Scheme 2023. Collection method: clinical testing. Allele origin: germline.

CeGaT Center for Human Genetics Tuebingen
Classification: Uncertain significance. Last evaluated: 2023-12-01. Review status: criteria provided, single submitter. Criteria: CeGaT Center For Human Genetics Tuebingen Variant Classification Criteria Version 2. Collection method: clinical testing. Allele origin: germline. Affected: yes. Observed: 1 variant allele.
Comment: NFIB: PM2:Supporting